The following is an entry in ClinVar:

ClinVar aggregate classification (germline): Conflicting classifications of pathogenicity. Review status: criteria provided, conflicting classifications (1 of 4 stars). 2 submissions from 2 submitters: Uncertain significance (1); Likely benign (1). Last evaluated 2024-08-12.

Conditions:
Inborn genetic diseases. Identifiers: MedGen C0950123, MeSH D030342.

Allele frequency attached by ClinVar (database versions not stated): ExAC 0.00001; gnomAD 0.00001; gnomAD exomes 0.00001; TOPMed 0.00001.
gnomAD v4.1: 16 of 1,614,076 alleles (0.00099%); highest among the groups gnomAD compares: Admixed American, 0.012%; no homozygotes.

Submissions (2):

Mayo Clinic Laboratories, Mayo Clinic
Classification: Uncertain significance. Last evaluated: 2024-08-12. Review status: criteria provided, single submitter. Criteria: ACMG Guidelines, 2015. Collection method: clinical testing. Allele origin: germline. Observed: 1 variant allele.
Comment: BP4

Ambry Genetics
Classification: Likely benign for Inborn genetic diseases. Last evaluated: 2023-11-29. Review status: criteria provided, single submitter. Criteria: Ambry Variant Classification Scheme 2023. Collection method: clinical testing. Allele origin: germline.

NM_003383.5(VLDLR):c.1069A>G (p.Ile357Val)

Gene: VLDLR (very low density lipoprotein receptor; plus strand). Cytogenetic location: 9p24.2.
Variant type: single nucleotide variant.
Coding change: c.1069A>G on transcript NM_003383.5 (MANE Select); coding-DNA position 1069, A replaced by G.
Protein change: p.Ile357Val; replaces isoleucine 357 with valine.
Molecular consequence: missense variant.
Genome position (GRCh38, 1-based): chr9:2,644,736, A>G. VCF-style: chr9-2644736-A-G. GRCh37 (hg19) VCF-style: chr9-2644736-A-G.
Other names: p.Ile357Val; c.1069A>G, p.Ile357Val (NM_001018056.3); c.946A>G, p.Ile316Val (NM_001322225.2, NM_001322226.2); short protein forms I316V, I357V.
Identifiers: ClinVar variation 3188669 (VCV003188669.2), dbSNP rs762322213, ClinGen allele CA4964738.